The following is an entry in ClinVar:

ClinVar aggregate classification (germline): Benign/Likely benign. Review status: criteria provided, multiple submitters, no conflicts (2 of 4 stars). 6 submissions from 6 submitters: Benign (2); Likely benign (3). 1 of the submissions does not count toward it. Last evaluated 2026-01-24.

Conditions:
Fanconi anemia (FA). Also called: Fanconi's anemia. Identifiers: Orphanet 84, MedGen C0015625, MeSH D005199, MONDO:0019391.
Fanconi anemia complementation group C (FANCC). Also called: FANCONI PANCYTOPENIA, TYPE 3; FACC; Fanconi anemia, group C; FANCC-Related Fanconi Anemia. Identifiers: Orphanet 84, MedGen C3468041, MONDO:0009213, OMIM 227645.

Allele frequency attached by ClinVar (database versions not stated): gnomAD exomes 0.00004 and 0.00009; ExAC 0.00013; gnomAD 0.00034 and 0.00036; TOPMed 0.00039; ESP Exome Variant Server 0.00054.
gnomAD v4.1: 126 of 1,604,350 alleles (0.0079%); highest among the groups gnomAD compares: African/African-American, 0.09%; no homozygotes.

Submissions (6):

Labcorp Genetics (formerly Invitae), Labcorp
Classification: Likely benign for Fanconi anemia. Last evaluated: 2026-01-24. Review status: criteria provided, single submitter. Criteria: Invitae Variant Classification Sherloc (09022015). Collection method: clinical testing. Allele origin: germline.

Blueprint Genetics
Classification: Likely benign. Last evaluated: 2024-06-28. Review status: criteria provided, single submitter. Criteria: ACMG Guidelines, 2015. Collection method: clinical testing. Allele origin: germline.

KCCC/NGS Laboratory, Kuwait Cancer Control Center
Classification: Benign for Fanconi anemia complementation group C. Last evaluated: 2023-07-07. Review status: criteria provided, single submitter. Criteria: ACMG Guidelines, 2015. Collection method: clinical testing. Allele origin: germline. Affected: yes.

Fulgent Genetics
Classification: Likely benign for Fanconi anemia complementation group C. Last evaluated: 2021-11-13. Review status: criteria provided, single submitter. Criteria: ACMG Guidelines, 2015. Collection method: clinical testing. Allele origin: unknown.

GeneDx
Classification: Benign. Last evaluated: 2014-06-23. Review status: criteria provided, single submitter. Criteria: GeneDx Variant Classification (06012015). Collection method: clinical testing. Allele origin: germline. Affected: yes.
Comment: This variant is considered likely benign or benign based on one or more of the following criteria: it is a conservative change, it occurs at a poorly conserved position in the protein, it is predicted to be benign by multiple in silico algorithms, and/or has population frequency not consistent with disease.

Natera, Inc.
Classification: Likely benign for Fanconi anemia. Last evaluated: 2018-04-25. Review status: no assertion criteria provided. Collection method: clinical testing. Allele origin: germline. Not counted in ClinVar's aggregate classification.

NM_000136.3(FANCC):c.457-18A>G

Gene: FANCC (FA complementation group C; minus strand). Cytogenetic location: 9q22.32.
Variant type: single nucleotide variant.
Coding change: c.457-18A>G on transcript NM_000136.3 (MANE Select); 18 bases into the intron before coding-DNA position 457, A replaced by G.
Molecular consequence: intron variant.
Genome position (GRCh38, 1-based): chr9:95,171,161, T>C on the plus strand (A>G on the coding strand, the complement: FANCC is on the minus strand). VCF-style: chr9-95171161-T-C. GRCh37 (hg19) VCF-style: chr9-97933443-T-C.
Other names: c.457-18A>G (NM_001243743.2, NM_001243744.2).
Identifiers: ClinVar variation 182498 (VCV000182498.12), dbSNP rs377206543, ClinGen allele CA299221.